The following is an entry in ClinVar:

NM_015192.4(PLCB1):c.2318A>T (p.Tyr773Phe)

Gene: PLCB1 (phospholipase C beta 1; plus strand). Cytogenetic location: 20p12.3.
Variant type: single nucleotide variant.
Coding change: c.2318A>T on transcript NM_015192.4 (MANE Select); coding-DNA position 2318, A replaced by T.
Protein change: p.Tyr773Phe; replaces tyrosine 773 with phenylalanine.
Molecular consequence: missense variant.
Genome position (GRCh38, 1-based): chr20:8,740,353, A>T. VCF-style: chr20-8740353-A-T. GRCh37 (hg19) VCF-style: chr20-8721000-A-T.
Other names: c.2318A>T, p.Tyr773Phe (NM_182734.3); short protein forms Y773F.
Identifiers: ClinVar variation 1063344 (VCV001063344.7), dbSNP rs948237591, ClinGen allele CA408207862.

ClinVar aggregate classification (germline): Uncertain significance (1 of 4 stars; one submission).

Conditions:
Developmental and epileptic encephalopathy, 12 (DEE12). Identifiers: MedGen C3150988, MONDO:0013389, OMIM 613722.

Allele frequency attached by ClinVar (database versions not stated): gnomAD exomes below 0.00001.
gnomAD v4.1: 1 of 1,588,714 alleles (0.000063%); highest among the groups gnomAD compares: Admixed American, 0.0017%; no homozygotes.

Submission:

Labcorp Genetics (formerly Invitae), Labcorp
Classification: Uncertain significance for Developmental and epileptic encephalopathy, 12. Last evaluated: 2024-08-12. Review status: criteria provided, single submitter. Criteria: Invitae Variant Classification Sherloc (09022015). Collection method: clinical testing. Allele origin: germline.
Comment: This sequence change replaces tyrosine, which is neutral and polar, with phenylalanine, which is neutral and non-polar, at codon 773 of the PLCB1 protein (p.Tyr773Phe). This variant is present in population databases (no rsID available, gnomAD 0.003%). This variant has not been reported in the literature in individuals affected with PLCB1-related conditions. ClinVar contains an entry for this variant (Variation ID: 1063344). Advanced modeling of protein sequence and biophysical properties (such as structural, functional, and spatial information, amino acid conservation, physicochemical variation, residue mobility, and thermodynamic stability) performed at Invitae indicates that this missense variant is expected to disrupt PLCB1 protein function with a positive predictive value of 80%. In summary, the available evidence is currently insufficient to determine the role of this variant in disease. Therefore, it has been classified as a Variant of Uncertain Significance.